The following is an entry in ClinVar:

ClinVar aggregate classification (germline): Pathogenic (1 of 4 stars; one submission).

Submission:

Labcorp Genetics (formerly Invitae), Labcorp
Classification: Pathogenic. Last evaluated: 2024-03-18. Review status: criteria provided, single submitter. Criteria: Invitae Variant Classification Sherloc (09022015). Collection method: clinical testing. Allele origin: germline.
Comment: This sequence change creates a premature translational stop signal (p.Ser275Phefs*36) in the SLC12A3 gene. It is expected to result in an absent or disrupted protein product. Loss-of-function variants in SLC12A3 are known to be pathogenic (PMID: 20848653, 22009145, 25841442). This variant is not present in population databases (gnomAD no frequency). This variant has not been reported in the literature in individuals affected with SLC12A3-related conditions. For these reasons, this variant has been classified as Pathogenic.

Literature cited by the submitters: PubMed 20848653; PubMed 22009145; PubMed 25841442.

NM_001126108.2(SLC12A3):c.823dup (p.Ser275fs)

Gene: SLC12A3 (solute carrier family 12 member 3; plus strand). Cytogenetic location: 16q13.
Variant type: Duplication.
Coding change: c.823dup on transcript NM_001126108.2 (MANE Select); coding-DNA position 823, one base duplicated (T; older notation c.823dupT).
Protein change: p.Ser275fs; shifts the reading frame from serine 275.
Molecular consequence: frameshift variant.
Genome position (GRCh38, 1-based): chr16:56,870,707, T duplicated. VCF-style (leftmost placement, unchanged base first): chr16-56870706-C-CT. GRCh37 (hg19) VCF-style: chr16-56904618-C-CT.
Other names: c.823dup, p.Ser275fs (NM_000339.3); c.820dup, p.Ser274fs (NM_001126107.2, NM_001410896.1); short protein forms S275fs, S274fs.
Identifiers: ClinVar variation 3675158 (VCV003675158.2).